The following is an entry in ClinVar:

ClinVar aggregate classification (germline): Uncertain significance (1 of 4 stars; one submission).

gnomAD v4.1: 6 of 1,608,850 alleles (0.00037%); highest among the groups gnomAD compares: East Asian, 0.0022%; no homozygotes.

Submission:

Labcorp Genetics (formerly Invitae), Labcorp
Classification: Uncertain significance. Last evaluated: 2025-08-15. Review status: criteria provided, single submitter. Criteria: Invitae Variant Classification Sherloc (09022015). Collection method: clinical testing. Allele origin: germline.
Comment: This sequence change falls in intron 2 of the RPS20 gene. It does not directly change the encoded amino acid sequence of the RPS20 protein. It affects a nucleotide within the consensus splice site. This variant is not present in population databases (gnomAD no frequency). This variant has not been reported in the literature in individuals affected with RPS20-related conditions. Variants that disrupt the consensus splice site are a relatively common cause of aberrant splicing (PMID: 17576681, 9536098). Algorithms developed to predict the effect of sequence changes on RNA splicing suggest that this variant is not likely to affect RNA splicing. In summary, the available evidence is currently insufficient to determine the role of this variant in disease. Therefore, it has been classified as a Variant of Uncertain Significance.

Literature cited by the submitters: PubMed 17576681; PubMed 9536098.

NM_001023.4(RPS20):c.103+4A>G

Gene: RPS20 (ribosomal protein S20; minus strand). Cytogenetic location: 8q12.1.
Variant type: single nucleotide variant.
Coding change: c.103+4A>G on transcript NM_001023.4 (MANE Select); 4 bases into the intron after coding-DNA position 103, A replaced by G.
Molecular consequence: intron variant.
Genome position (GRCh38, 1-based): chr8:56,074,056, T>C on the plus strand (A>G on the coding strand, the complement: RPS20 is on the minus strand). VCF-style: chr8-56074056-T-C. GRCh37 (hg19) VCF-style: chr8-56986615-T-C.
Other names: c.103+4A>G (NM_001146227.3).
Identifiers: ClinVar variation 4738668 (VCV004738668.1).